The following is an entry in ClinVar:

ClinVar aggregate classification (germline): Likely benign (0 of 4 stars; one submission).

Conditions:
PLXNA2-related disorder. Also called: PLXNA2-related condition.

Allele frequency attached by ClinVar (database versions not stated): ESP Exome Variant Server 0.00008.
gnomAD v4.1: 13 of 1,614,012 alleles (0.00081%); highest among the groups gnomAD compares: African/African-American, 0.017%; no homozygotes.

Submission:

PreventionGenetics, part of Exact Sciences
Classification: Likely benign for PLXNA2-related condition. Last evaluated: 2022-07-21. Review status: no assertion criteria provided. Collection method: clinical testing. Allele origin: germline.
Comment: This variant is classified as likely benign based on ACMG/AMP sequence variant interpretation guidelines (Richards et al. 2015 PMID: 25741868, with internal and published modifications).

NM_025179.4(PLXNA2):c.288G>T (p.Pro96=)

Gene: PLXNA2 (plexin A2; minus strand). Cytogenetic location: 1q32.2.
Variant type: single nucleotide variant.
Coding change: c.288G>T on transcript NM_025179.4 (MANE Select); coding-DNA position 288, G replaced by T.
Protein change: p.Pro96=; no amino-acid change (proline 96 retained).
Molecular consequence: synonymous variant.
Genome position (GRCh38, 1-based): chr1:208,217,635, C>A on the plus strand (G>T on the coding strand, the complement: PLXNA2 is on the minus strand). VCF-style: chr1-208217635-C-A. GRCh37 (hg19) VCF-style: chr1-208390980-C-A.
Identifiers: ClinVar variation 3037013 (VCV003037013.2), dbSNP rs148386352, ClinGen allele CA1374098.